The following is an entry in ClinVar:

NM_001083961.2(WDR62):c.1509C>T (p.Asp503=)

Gene: WDR62 (WD repeat domain 62; plus strand). Cytogenetic location: 19q13.12.
Variant type: single nucleotide variant.
Coding change: c.1509C>T on transcript NM_001083961.2 (MANE Select); coding-DNA position 1509, C replaced by T.
Protein change: p.Asp503=; no amino-acid change (aspartic acid 503 retained).
Molecular consequence: synonymous variant.
Genome position (GRCh38, 1-based): chr19:36,083,200, C>T. VCF-style: chr19-36083200-C-T. GRCh37 (hg19) VCF-style: chr19-36574102-C-T.
Other names: c.1509C>T, p.Asp503= (NM_173636.5).
Identifiers: ClinVar variation 212599 (VCV000212599.31), dbSNP rs758922011, ClinGen allele CA208224.

ClinVar aggregate classification (germline): Conflicting classifications of pathogenicity. Review status: criteria provided, conflicting classifications (1 of 4 stars). 3 submissions from 3 submitters: Uncertain significance (1); Likely benign (2). Last evaluated 2024-11-25.

Allele frequency attached by ClinVar (database versions not stated): gnomAD exomes 0.00002 and 0.00005; ExAC 0.00006; TOPMed 0.00006.
gnomAD v4.1: 38 of 1,609,888 alleles (0.0024%); highest among the groups gnomAD compares: South Asian, 0.018%; no homozygotes.

Submissions (3):

Labcorp Genetics (formerly Invitae), Labcorp
Classification: Likely benign. Last evaluated: 2024-11-25. Review status: criteria provided, single submitter. Criteria: Invitae Variant Classification Sherloc (09022015). Collection method: clinical testing. Allele origin: germline.

CeGaT Center for Human Genetics Tuebingen
Classification: Likely benign. Last evaluated: 2024-05-01. Review status: criteria provided, single submitter. Criteria: CeGaT Center For Human Genetics Tuebingen Variant Classification Criteria Version 2. Collection method: clinical testing. Allele origin: germline. Affected: yes. Observed: 1 variant allele.
Comment: WDR62: BP4, BP7

Genetic Services Laboratory, University of Chicago
Classification: Uncertain significance. Last evaluated: 2014-09-04. Review status: criteria provided, single submitter. Criteria: ACMG Guidelines, 2015. Collection method: clinical testing. Allele origin: germline.